The following is an entry in ClinVar:

ClinVar aggregate classification (germline): Uncertain significance (1 of 4 stars; one submission).

Conditions:
Inborn genetic diseases. Identifiers: MedGen C0950123, MeSH D030342.

Submission:

Ambry Genetics
Classification: Uncertain significance for Inborn genetic diseases. Last evaluated: 2026-04-28. Review status: criteria provided, single submitter. Criteria: Ambry Variant Classification Scheme 2023. Collection method: clinical testing. Allele origin: germline.
Comment: The p.V1276A variant (also known as c.3827T>C), located in coding exon 1 of the SAMD9L gene, results from a T to C substitution at nucleotide position 3827. The valine at codon 1276 is replaced by alanine, an amino acid with similar properties. This amino acid position is conserved. In addition, this alteration is predicted to be tolerated by in silico analysis. Based on the available evidence, the clinical significance of this variant remains unclear.

NM_152703.5(SAMD9L):c.3827T>C (p.Val1276Ala)

Gene: SAMD9L (sterile alpha motif domain containing 9 like; minus strand). Cytogenetic location: 7q21.2.
Variant type: single nucleotide variant.
Coding change: c.3827T>C on transcript NM_152703.5 (MANE Select); coding-DNA position 3827, T replaced by C.
Protein change: p.Val1276Ala; replaces valine 1276 with alanine.
Molecular consequence: missense variant.
Genome position (GRCh38, 1-based): chr7:93,132,145, A>G on the plus strand (T>C on the coding strand, the complement: SAMD9L is on the minus strand). VCF-style: chr7-93132145-A-G. GRCh37 (hg19) VCF-style: chr7-92761458-A-G.
Other names: c.3827T>C, p.Val1276Ala (NM_001303496.3, NM_001303497.3, NM_001303498.3 and 5 more transcripts); short protein forms V1276A.
Identifiers: ClinVar variation 4863972 (VCV004863972.1).